The following is an entry in ClinVar:

ClinVar aggregate classification (germline): Uncertain significance (1 of 4 stars; one submission).

Submission:

Department of Medical Genetics, Ordu University Medical School Training and Research Hospital
Classification: Uncertain significance. Last evaluated: 2026-07-28. Review status: criteria provided, single submitter. Criteria: ACMG Guidelines, 2015. Collection method: clinical testing. Allele origin: biparental. Observed: 1 variant allele, 1 homozygote.
Comment: Intronic variant five nucleotides upstream of the intron 6 splice acceptor site of SRPK3, within the polypyrimidine tract. Absent from gnomAD v4 (PM2) and no previous ClinVar record was identified at the time of classification. The variant lies outside the canonical -1/-2 acceptor dinucleotide, no RNA data were available to assess a splicing effect, and the fetal findings were not specific for an SRPK3-related myopathy. Classified as uncertain significance.

NM_014370.4(SRPK3):c.583-5T>A

Gene: SRPK3 (SRSF protein kinase 3; plus strand). Cytogenetic location: Xq28.
Variant type: single nucleotide variant.
Coding change: c.583-5T>A on transcript NM_014370.4 (MANE Select); 5 bases into the intron before coding-DNA position 583, T replaced by A.
Molecular consequence: intron variant.
Genome position (GRCh38, 1-based): chrX:153,782,948, T>A. VCF-style: chrX-153782948-T-A. GRCh37 (hg19) VCF-style: chrX-153048403-T-A.
Other names: c.583-5T>A (NM_001170760.2, NM_001170761.2).
Identifiers: ClinVar variation 4880492 (VCV004880492.1).